The following is an entry in ClinVar:

NM_023935.3(DDRGK1):c.883G>A (p.Ala295Thr)

Gene: DDRGK1 (DDRGK domain containing 1; minus strand). Cytogenetic location: 20p13.
Variant type: single nucleotide variant.
Coding change: c.883G>A on transcript NM_023935.3 (MANE Select); coding-DNA position 883, G replaced by A.
Protein change: p.Ala295Thr; replaces alanine 295 with threonine.
Molecular consequence: missense variant.
Genome position (GRCh38, 1-based): chr20:3,190,715, C>T on the plus strand (G>A on the coding strand, the complement: DDRGK1 is on the minus strand). VCF-style: chr20-3190715-C-T. GRCh37 (hg19) VCF-style: chr20-3171361-C-T.
Other names: short protein forms A295T.
Identifiers: ClinVar variation 2791200 (VCV002791200.3), dbSNP rs1320325427, ClinGen allele CA408066346.
Genomic context (GRCh38, chr20:3,190,715, plus strand): 5'-AGGCTGGGGCTTGGGCAGGGGACTCCCGGCCCCAGGCGATGAGGGAGTTGCTGGCTTGGG[C>T]AAGCTCGGCGATGGACACCCGGCCCCGCTGTCGGATGAAGTTGGCCACGGCGGCCAGTTC-3'
Protein context (NP_076424.1, residues 285-305): QRGRVSIAEL[Ala295Thr]QASNSLIAWG

ClinVar aggregate classification (germline): Uncertain significance (1 of 4 stars; one submission).

Allele frequency attached by ClinVar (database versions not stated): TOPMed 0.00002; gnomAD 0.00003.

Submission:

Labcorp Genetics (formerly Invitae), Labcorp
Classification: Uncertain significance. Last evaluated: 2023-04-07. Review status: criteria provided, single submitter. Criteria: Invitae Variant Classification Sherloc (09022015). Collection method: clinical testing. Allele origin: germline.
Comment: This sequence change replaces alanine, which is neutral and non-polar, with threonine, which is neutral and polar, at codon 295 of the DDRGK1 protein (p.Ala295Thr). This variant is present in population databases (no rsID available, gnomAD 0.007%). This variant has not been reported in the literature in individuals affected with DDRGK1-related conditions. An algorithm developed to predict the effect of missense changes on protein structure and function (PolyPhen-2) suggests that this variant is likely to be disruptive. In summary, the available evidence is currently insufficient to determine the role of this variant in disease. Therefore, it has been classified as a Variant of Uncertain Significance.